The following is an entry in ClinVar:

ClinVar aggregate classification (germline): Uncertain significance (1 of 4 stars; one submission).

Conditions:
Intellectual disability, X-linked 102 (MRXSSB). Also called: Intellectual developmental disorder, X-linked syndromic, Snijders Blok type. Identifiers: Orphanet 457260, MedGen C5393299, MONDO:0010497, OMIM 300958.

Submission:

3billion
Classification: Uncertain significance for Intellectual disability, X-linked 102. Last evaluated: 2025-10-06. Review status: criteria provided, single submitter. Criteria: ACMG Guidelines, 2015. Collection method: clinical testing. Allele origin: germline. Affected: yes.
Comment: The variant is not observed in the gnomAD v4.1.0 dataset. Predicted Consequence/Location: Intron variant In silico tools predict the variant to alter splicing and produce an abnormal transcript [SpliceAI: 0.37 (>=0.2, moderate evidence for spliceogenicity)]. Therefore, this variant is classified as VUS according to the recommendation of ACMG/AMP guideline.

NM_001356.5(DDX3X):c.46-1339G>A

Gene: DDX3X (DEAD-box helicase 3 X-linked; plus strand). Cytogenetic location: Xp11.4.
Variant type: single nucleotide variant.
Coding change: c.46-1339G>A on transcript NM_001356.5 (MANE Select); 1339 bases into the intron before coding-DNA position 46, G replaced by A.
Molecular consequence: intron variant.
Genome position (GRCh38, 1-based): chrX:41,336,069, G>A. VCF-style: chrX-41336069-G-A. GRCh37 (hg19) VCF-style: chrX-41195322-G-A.
Other names: c.46-1339G>A (NM_001193416.3, NM_001193417.3); c.-1858-1339G>A (NM_001363819.1).
Identifiers: ClinVar variation 4856153 (VCV004856153.1).
Genomic context (GRCh38, chrX:41,336,069, plus strand): 5'-GCTCATAGAAATTCTGGAAATTAGGTGCCTGAAGTCTTACACTCATTTTTTAAAAGTATA[G>A]CATCTGCTTCCAGTTTTCAGTGACTCCATTGATGATGCATGCGGTTTGGCCGTATCATAC-3'